The following is an entry in ClinVar:

NM_000026.4(ADSL):c.357+172T>C

Gene: ADSL (adenylosuccinate lyase; plus strand). Cytogenetic location: 22q13.1.
Variant type: single nucleotide variant.
Coding change: c.357+172T>C on transcript NM_000026.4 (MANE Select); 172 bases into the intron after coding-DNA position 357, T replaced by C.
Molecular consequence: intron variant.
Genome position (GRCh38, 1-based): chr22:40,350,207, T>C. VCF-style: chr22-40350207-T-C. GRCh37 (hg19) VCF-style: chr22-40746211-T-C.
Other names: c.357+172T>C (NM_001363840.3, NM_001123378.3); c.165+172T>C (NM_001317923.2).
Identifiers: ClinVar variation 678100 (VCV000678100.2), dbSNP rs8192455, ClinGen allele CA14927922.

ClinVar aggregate classification (germline): Benign. Review status: criteria provided, multiple submitters, no conflicts (2 of 4 stars). 2 submissions from 2 submitters: Benign (2). Last evaluated 2018-06-14.

Allele frequency attached by ClinVar (database versions not stated): 1000 Genomes Project 30x 0.08604; TOPMed 0.08939; 1000 Genomes Project 0.09145; gnomAD 0.10294 and 0.10553; gnomAD exomes 0.13654.
gnomAD v4.1: 80,360 of 625,252 alleles (13%); highest among the groups gnomAD compares: South Asian, 17%; 5,854 homozygotes.

Submissions (2):

GeneDx
Classification: Benign. Last evaluated: 2018-06-14. Review status: criteria provided, single submitter. Criteria: GeneDx Variant Classification (06012015). Collection method: clinical testing. Allele origin: germline. Affected: yes.
Comment: This variant is considered likely benign or benign based on one or more of the following criteria: it is a conservative change, it occurs at a poorly conserved position in the protein, it is predicted to be benign by multiple in silico algorithms, and/or has population frequency not consistent with disease.

Breakthrough Genomics
Classification: Benign. Review status: criteria provided, single submitter. Criteria: ACMG Guidelines, 2015. Collection method: not provided. Allele origin: germline. Inheritance: Autosomal recessive inheritance. Affected: yes.